The following is an entry in ClinVar:

ClinVar aggregate classification (germline): Uncertain significance (1 of 4 stars; one submission).

Submission:

Labcorp Genetics (formerly Invitae), Labcorp
Classification: Uncertain significance. Last evaluated: 2020-01-03. Review status: criteria provided, single submitter. Criteria: Invitae Variant Classification Sherloc (09022015). Collection method: clinical testing. Allele origin: germline.
Comment: In summary, the available evidence is currently insufficient to determine the role of this variant in disease. Therefore, it has been classified as a Variant of Uncertain Significance. Algorithms developed to predict the effect of missense changes on protein structure and function are either unavailable or do not agree on the potential impact of this missense change (SIFT: "Deleterious"; PolyPhen-2: "Probably Damaging"; Align-GVGD: "Class C0"). This variant has not been reported in the literature in individuals with SLC7A14-related conditions. This variant is not present in population databases (ExAC no frequency). This sequence change replaces leucine with valine at codon 53 of the SLC7A14 protein (p.Leu53Val). The leucine residue is highly conserved and there is a small physicochemical difference between leucine and valine.

NM_020949.3(SLC7A14):c.157C>G (p.Leu53Val)

Genes: SLC7A14 (solute carrier family 7 member 14; minus strand), SLC7A14-AS1 (SLC7A14 antisense RNA 1; plus strand). Cytogenetic location: 3q26.2.
Variant type: single nucleotide variant.
Coding change: c.157C>G on transcript NM_020949.3 (MANE Select); coding-DNA position 157, C replaced by G.
Protein change: p.Leu53Val; replaces leucine 53 with valine.
Molecular consequence: missense variant.
Genome position (GRCh38, 1-based): chr3:170,526,780, G>C on the plus strand (C>G on the coding strand, the complement: SLC7A14 is on the minus strand). VCF-style: chr3-170526780-G-C. GRCh37 (hg19) VCF-style: chr3-170244569-G-C.
Other names: short protein forms L53V.
Identifiers: ClinVar variation 1052774 (VCV001052774.9), dbSNP rs2108293737, ClinGen allele CA355520109.
Genomic context (GRCh38, chr3:170,526,780, plus strand): 5'-CATACATGCCAGTGCCCACACAGCTGCCAACGCCAAGAGAGATGAGGTCCACTGTGGTGA[G>C]TACCTGGGCTAGCTTAGTTCCATGTGCCGTGGTGGTCCCAGTTCCCTCTAGCATGGACTC-3'
Protein context (NP_066000.2, residues 43-63): TAHGTKLAQV[Leu53Val]TTVDLISLGV